The following is an entry in ClinVar:

ClinVar aggregate classification (germline): Uncertain significance (1 of 4 stars; one submission).

Submission:

Labcorp Genetics (formerly Invitae), Labcorp
Classification: Uncertain significance. Last evaluated: 2025-04-16. Review status: criteria provided, single submitter. Criteria: Invitae Variant Classification Sherloc (09022015). Collection method: clinical testing. Allele origin: germline.
Comment: This sequence change replaces proline, which is neutral and non-polar, with leucine, which is neutral and non-polar, at codon 2335 of the LRP2 protein (p.Pro2335Leu). This variant is present in population databases (no rsID available, gnomAD 0.003%). This variant has not been reported in the literature in individuals affected with LRP2-related conditions. ClinVar contains an entry for this variant (Variation ID: 1716429). An algorithm developed to predict the effect of missense changes on protein structure and function (PolyPhen-2) suggests that this variant is likely to be disruptive. In summary, the available evidence is currently insufficient to determine the role of this variant in disease. Therefore, it has been classified as a Variant of Uncertain Significance.

NM_004525.3(LRP2):c.7004C>T (p.Pro2335Leu)

Gene: LRP2 (LDL receptor related protein 2; minus strand). Cytogenetic location: 2q31.1.
Variant type: single nucleotide variant.
Coding change: c.7004C>T on transcript NM_004525.3 (MANE Select); coding-DNA position 7004, C replaced by T.
Protein change: p.Pro2335Leu; replaces proline 2335 with leucine.
Molecular consequence: missense variant.
Genome position (GRCh38, 1-based): chr2:169,206,716, G>A on the plus strand (C>T on the coding strand, the complement: LRP2 is on the minus strand). VCF-style: chr2-169206716-G-A. GRCh37 (hg19) VCF-style: chr2-170063226-G-A.
Other names: short protein forms P2335L.
Identifiers: ClinVar variation 1716429 (VCV001716429.4), dbSNP rs1285451840, ClinGen allele CA349171763.
Genomic context (GRCh38, chr2:169,206,716, plus strand): 5'-TGAGAGCACCCACCATTGTTTTCCAAGCAAGGGTTGTTGTTGACCTCTGCTGGTGACCGG[G>A]GCTGGACTTGCTTGTCAAAGATGGTCACATCTCTTAGCCAGTTGATATTGTCTCTTATCA-3'
Protein context (NP_004516.2, residues 2325-2345): DVTIFDKQVQ[Pro2335Leu]RSPAEVNNNP